The following is an entry in ClinVar:

ClinVar aggregate classification (germline): Likely benign. Review status: criteria provided, multiple submitters, no conflicts (2 of 4 stars). 2 submissions from 2 submitters: Likely benign (2). Last evaluated 2026-06-18.

Conditions:
Retinoblastoma (RB1). Also called: RETINOBLASTOMA, SOMATIC. Identifiers: Orphanet 790, MedGen C0035335, MeSH D012175, MONDO:0008380, OMIM 180200, HP:0009919. Disease mechanism: loss of function. Inheritance: Both sporadic and heritable forms are tested..

Allele frequency attached by ClinVar (database versions not stated): gnomAD 0.00001; gnomAD exomes below 0.00001.
gnomAD v4.1: 3 of 1,612,000 alleles (0.00019%); highest among the groups gnomAD compares: Non-Finnish European, 0.00017%; no homozygotes.

Submissions (2):

Myriad Genetics, Inc.
Classification: Likely benign for Retinoblastoma. Last evaluated: 2026-06-18. Review status: criteria provided, single submitter. Criteria: Myriad Autosomal Dominant, Autosomal Recessive and X-Linked Classification Criteria (2023). Collection method: clinical testing. Allele origin: unknown.
Comment: This variant is considered likely benign. This variant is intronic and is not expected to impact mRNA splicing.

Labcorp Genetics (formerly Invitae), Labcorp
Classification: Likely benign for Retinoblastoma. Last evaluated: 2024-03-21. Review status: criteria provided, single submitter. Criteria: Invitae Variant Classification Sherloc (09022015). Collection method: clinical testing. Allele origin: germline.

NM_000321.3(RB1):c.718+7A>G

Gene: RB1 (RB transcriptional corepressor 1; plus strand). Cytogenetic location: 13q14.2.
Variant type: single nucleotide variant.
Coding change: c.718+7A>G on transcript NM_000321.3 (MANE Select); 7 bases into the intron after coding-DNA position 718, A replaced by G.
Molecular consequence: intron variant.
Genome position (GRCh38, 1-based): chr13:48,360,134, A>G. VCF-style: chr13-48360134-A-G. GRCh37 (hg19) VCF-style: chr13-48934270-A-G.
Identifiers: ClinVar variation 1107358 (VCV001107358.10), dbSNP rs774694773, ClinGen allele CA249273495.